The following is an entry in ClinVar:

NM_006206.6(PDGFRA):c.853A>G (p.Ser285Gly)

Gene: PDGFRA (platelet derived growth factor receptor alpha; plus strand). Cytogenetic location: 4q12.
Variant type: single nucleotide variant.
Coding change: c.853A>G on transcript NM_006206.6 (MANE Select); coding-DNA position 853, A replaced by G.
Protein change: p.Ser285Gly; replaces serine 285 with glycine.
Molecular consequence: missense variant.
Genome position (GRCh38, 1-based): chr4:54,267,382, A>G. VCF-style: chr4-54267382-A-G. GRCh37 (hg19) VCF-style: chr4-55133549-A-G.
Other names: c.892A>G, p.Ser298Gly (NM_001347830.2); c.853A>G, p.Ser285Gly (NM_001347827.2, NM_001347829.2); c.928A>G, p.Ser310Gly (NM_001347828.2); short protein forms S285G, S298G, S310G.
Identifiers: ClinVar variation 135026 (VCV000135026.15), dbSNP rs541057765, ClinGen allele CA161447.

ClinVar aggregate classification (germline): Conflicting classifications of pathogenicity. Review status: criteria provided, conflicting classifications (1 of 4 stars). 5 submissions from 4 submitters: Uncertain significance (2); Benign (1); Likely benign (1). 1 of the submissions does not count toward it. Last evaluated 2026-01-11.

Conditions:
Hereditary cancer-predisposing syndrome. Also called: Tumor predisposition; Hereditary neoplastic syndrome; Hereditary Cancer Syndrome; Neoplastic Syndromes, Hereditary. Identifiers: Orphanet 140162, MedGen C0027672, MeSH D009386, MONDO:0015356.
Idiopathic hypereosinophilic syndrome (HES). Identifiers: Orphanet 3260, MedGen C0206141, MONDO:0011895, OMIM 607685. Disease mechanism: gain of function.
Gastrointestinal stromal tumor. Also called: Gastrointestinal stromal tumor, somatic; Gastrointestinal stroma tumor. Identifiers: Orphanet 44890, MedGen C0238198, MeSH D046152, MONDO:0011719, OMIM 606764, HP:0100723.

Allele frequency attached by ClinVar (database versions not stated): gnomAD below 0.00001 and 0.00001; gnomAD exomes 0.00001 and 0.00003; ExAC 0.00004; 1000 Genomes Project 30x 0.00031.
gnomAD v4.1: 24 of 1,613,958 alleles (0.0015%); highest among the groups gnomAD compares: Middle Eastern, 0.066%; no homozygotes.

Submissions (5):

Labcorp Genetics (formerly Invitae), Labcorp
Classification: Uncertain significance for Gastrointestinal stromal tumor. Last evaluated: 2026-01-11. Review status: criteria provided, single submitter. Criteria: Invitae Variant Classification Sherloc (09022015). Collection method: clinical testing. Allele origin: germline.
Comment: This sequence change replaces serine, which is neutral and polar, with glycine, which is neutral and non-polar, at codon 285 of the PDGFRA protein (p.Ser285Gly). This variant is present in population databases (rs541057765, gnomAD 0.02%). This variant has not been reported in the literature in individuals affected with PDGFRA-related conditions. ClinVar contains an entry for this variant (Variation ID: 135026). Invitae Evidence Modeling of protein sequence and biophysical properties (such as structural, functional, and spatial information, amino acid conservation, physicochemical variation, residue mobility, and thermodynamic stability) indicates that this missense variant is not expected to disrupt PDGFRA protein function with a negative predictive value of 80%. In summary, the available evidence is currently insufficient to determine the role of this variant in disease. Therefore, it has been classified as a Variant of Uncertain Significance.

Ambry Genetics
Classification: Benign for Hereditary cancer-predisposing syndrome. Last evaluated: 2024-10-28. Review status: criteria provided, single submitter. Criteria: Ambry Variant Classification Scheme 2023. Collection method: clinical testing. Allele origin: germline.

Illumina Laboratory Services, Illumina
Classification: Uncertain significance for Gastrointestinal stromal tumor. Last evaluated: 2018-01-13. Review status: criteria provided, single submitter. Criteria: ICSL Variant Classification Criteria 13 December 2019. Collection method: clinical testing. Allele origin: germline.

Illumina Laboratory Services, Illumina
Classification: Likely benign for Idiopathic hypereosinophilic syndrome. Last evaluated: 2018-01-13. Review status: criteria provided, single submitter. Criteria: ICSL Variant Classification Criteria 13 December 2019. Collection method: clinical testing. Allele origin: germline.
Comment: This variant was observed in the ICSL laboratory as part of a predisposition screen in an ostensibly healthy population. It had not been previously curated by ICSL or reported in the Human Gene Mutation Database (HGMD: prior to June 1st, 2018), and was therefore a candidate for classification through an automated scoring system. Utilizing variant allele frequency, disease prevalence and penetrance estimates, and inheritance mode, an automated score was calculated to assess if this variant is too frequent to cause the disease. Based on the score and internal cut-off values, a variant classified as likely benign is not then subjected to further curation. The score for this variant resulted in a classification of likely benign for this disease.

ITMI
No classification provided. Condition: AllHighlyPenetrant. Last evaluated: 2013-09-19. Review status: no classification provided. Collection method: reference population. Allele origin: germline. Not counted in ClinVar's aggregate classification.
Comment: Please see associated publication for description of ethnicities

Literature cited by the submitters: PubMed 24728327 (cited by ITMI).